The following is an entry in ClinVar:

ClinVar aggregate classification (germline): Conflicting classifications of pathogenicity. Review status: criteria provided, conflicting classifications (1 of 4 stars). 13 submissions from 13 submitters: Uncertain significance (5); Benign (1); Likely benign (7). Last evaluated 2026-01-26.

Conditions:
Ehlers-Danlos syndrome, type 4 (EDSVASC). Also called: Ehlers-Danlos syndrome vascular type; Ehlers Danlos syndrome, ecchymotic type; Ehlers Danlos syndrome, arterial type; Ehlers Danlos syndrome, Sack-Barabas type; Ehlers-Danlos Syndrome Type IV. Identifiers: Orphanet 286, MedGen C0268338, MONDO:0017314, OMIM 130050.
Ehlers-Danlos syndrome, type 3. Also called: EDS III; EDS3 (formerly); Ehlers-Danlos syndrome type 3 (formerly); Hypermobile Ehlers-Danlos Syndrome; Ehlers-Danlos Syndrome, Hypermobility Type; EHLERS-DANLOS SYNDROME, TYPE III. Identifiers: Orphanet 285, MedGen C0268337, MONDO:0007523, OMIM 130020.
Familial thoracic aortic aneurysm and aortic dissection (TAAD). Also called: Thoracic aortic aneurysms and dissections. Identifiers: Orphanet 91387, MedGen C4707243, MONDO:0019625.

Allele frequency attached by ClinVar (database versions not stated): ExAC 0.00008; gnomAD 0.00011; gnomAD exomes 0.00013 and 0.00024; TOPMed 0.00015; 1000 Genomes Project 30x 0.00016; 1000 Genomes Project 0.00020; ESP Exome Variant Server 0.00031.
gnomAD v4.1: 376 of 1,614,122 alleles (0.023%); highest among the groups gnomAD compares: Non-Finnish European, 0.03%; no homozygotes.

Submissions (13):

Labcorp Genetics (formerly Invitae), Labcorp
Classification: Likely benign for Ehlers-Danlos syndrome, type 4. Last evaluated: 2026-01-26. Review status: criteria provided, single submitter. Criteria: Invitae Variant Classification Sherloc (09022015). Collection method: clinical testing. Allele origin: germline.

Women's Health and Genetics/Laboratory Corporation of America, LabCorp
Classification: Uncertain significance. Last evaluated: 2025-11-13. Review status: criteria provided, single submitter. Criteria: LabCorp Variant Classification Summary - May 2015. Collection method: clinical testing. Allele origin: germline.
Comment: Variant summary: COL3A1 c.3818A>G (p.Lys1273Arg) results in a conservative amino acid change in the encoded protein sequence. Algorithms developed to predict the effect of missense changes on protein structure and function are either unavailable or do not agree on the potential impact of this missense change. The variant allele was found at a frequency of 0.00013 in 249794 control chromosomes. This frequency is not significantly higher than estimated for disease-causing variants in COL3A1, allowing no conclusion about variant significance. c.3818A>G has been observed in individuals affected with clinical features of Polymicrogyria with or without vascular-type Ehlers-Danlos syndrome with no clear evidence for causality of diseases (Frank_2015, Schubert_2016, Adham_2020, Jensson_2023). These report(s) do not provide unequivocal conclusions about association of the variant with Polymicrogyria with or without vascular-type Ehlers-Danlos syndrome. Co-occurrences with other pathogenic variant(s) have been reported (COL1A1 c.934C>T, p.Arg312Cys), providing supporting evidence for a benign role. To our knowledge, no experimental evidence demonstrating an impact on protein function has been reported. The following publications have been ascertained in the context of this evaluation (PMID: 31531849, 25758994, 37937776, 26854089). ClinVar contains an entry for this variant (Variation ID: 199744). Based on the evidence outlined above, the variant was classified as uncertain significance.

Mayo Clinic Laboratories, Mayo Clinic
Classification: Likely benign. Last evaluated: 2025-10-23. Review status: criteria provided, single submitter. Criteria: ACMG Guidelines, 2015. Collection method: clinical testing. Allele origin: germline. Observed: 3 variant alleles.
Comment: BS1, BS4

GeneDx
Classification: Uncertain significance. Last evaluated: 2025-06-29. Review status: criteria provided, single submitter. Criteria: GeneDx Variant Classification Process June 2021. Collection method: clinical testing. Allele origin: germline. Affected: yes.
Comment: Identified in individuals with arterial dissection and/or aneurysm in the published literature and classified as a variant of uncertain significance (PMID: 26854089, 25758994, 20825986); Identified in a proband with spontaneous iliac artery dissection in the published literature, but the variant did not segregate with disease in this family; a second cardiogenetic variant in the COL1A1 gene was identified in the proband that segregated with disease and was classified by the authors as pathogenic (PMID: 31531849); Identified in a patient with Marfan syndrome who also harbored a likely pathogenic variant in the FBN1 gene (PMID: 30087447); Not located in the triple helical region, where the majority of pathogenic missense variants occur (HGMD); In silico analysis suggests that this missense variant does not alter protein structure/function; Also known as p.(K1106R); This variant is associated with the following publications: (PMID: 29590070, 25758994, 20825986, 31531849, 26854089, 30087447, 37937776)

ARUP Laboratories, Molecular Genetics and Genomics, ARUP Laboratories
Classification: Likely benign. Last evaluated: 2025-05-27. Review status: criteria provided, single submitter. Criteria: ARUP Molecular Germline Variant Investigation Process 2024. Collection method: clinical testing. Allele origin: germline.

Blueprint Genetics
Classification: Likely benign. Last evaluated: 2024-10-25. Review status: criteria provided, single submitter. Criteria: ACMG Guidelines, 2015. Collection method: clinical testing. Allele origin: germline.

CHEO Genetics Diagnostic Laboratory, Children's Hospital of Eastern Ontario
Classification: Uncertain significance for Familial thoracic aortic aneurysm and aortic dissection. Last evaluated: 2021-10-01. Review status: criteria provided, single submitter. Criteria: ACMG Guidelines, 2015. Collection method: clinical testing. Allele origin: germline.

Johns Hopkins Genomics, Johns Hopkins University
Classification: Likely benign. Last evaluated: 2021-07-02. Review status: criteria provided, single submitter. Criteria: ACMG Guidelines, 2015. Collection method: clinical testing. Allele origin: germline.

Ambry Genetics
Classification: Likely benign for Familial thoracic aortic aneurysm and aortic dissection. Last evaluated: 2020-07-17. Review status: criteria provided, single submitter. Criteria: Ambry Variant Classification Scheme 2023. Collection method: clinical testing. Allele origin: germline.

Color Diagnostics, LLC DBA Color Health
Classification: Likely benign for Familial thoracic aortic aneurysm and aortic dissection. Last evaluated: 2019-10-08. Review status: criteria provided, single submitter. Criteria: ACMG Guidelines, 2015. Collection method: clinical testing. Allele origin: germline.

Fulgent Genetics
Classification: Uncertain significance for Ehlers-Danlos syndrome, type 3; Ehlers-Danlos syndrome, type 4. Last evaluated: 2017-05-23. Review status: criteria provided, single submitter. Criteria: ACMG Guidelines, 2015. Collection method: clinical testing. Allele origin: unknown.

Illumina Laboratory Services, Illumina
Classification: Benign for Ehlers-Danlos syndrome, type 4. Last evaluated: 2017-04-28. Review status: criteria provided, single submitter. Criteria: ICSL Variant Classification Criteria 13 December 2019. Collection method: clinical testing. Allele origin: germline.
Comment: This variant was observed as part of a predisposition screen in an ostensibly healthy population. A literature search was performed for the gene, cDNA change, and amino acid change (where applicable). Publications were found based on this search. The evidence from the literature, in combination with allele frequency data from public databases where available, was sufficient to rule this variant out of causing disease. Therefore, this variant is classified as benign.

Eurofins Ntd Llc (ga)
Classification: Uncertain significance. Last evaluated: 2016-03-03. Review status: criteria provided, single submitter. Criteria: EGL Classification Definitions 2015. Collection method: clinical testing. Allele origin: germline. Observed: 1 variant allele, 1 heterozygote.

Literature cited by the submitters: PubMed 25758994 (cited by 4 submitters); PubMed 26854089 (cited by 5 submitters); PubMed 37937776 (cited by Women's Health and Genetics/Laboratory Corporation of America, LabCorp); PubMed 31531849 (cited by 4 submitters); PubMed 28087566 (cited by Mayo Clinic Laboratories, Mayo Clinic and Ambry Genetics); PubMed 29590070 (cited by Mayo Clinic Laboratories, Mayo Clinic and Ambry Genetics); PubMed 30087447 (cited by Mayo Clinic Laboratories, Mayo Clinic and Ambry Genetics); PubMed 31075413 (cited by Johns Hopkins Genomics, Johns Hopkins University).

NM_000090.4(COL3A1):c.3818A>G (p.Lys1273Arg)

Gene: COL3A1 (collagen type III alpha 1 chain; plus strand). Cytogenetic location: 2q32.2.
Variant type: single nucleotide variant.
Coding change: c.3818A>G on transcript NM_000090.4 (MANE Select); coding-DNA position 3818, A replaced by G.
Protein change: p.Lys1273Arg; replaces lysine 1273 with arginine.
Molecular consequence: missense variant.
Genome position (GRCh38, 1-based): chr2:189,009,216, A>G. VCF-style: chr2-189009216-A-G. GRCh37 (hg19) VCF-style: chr2-189873942-A-G.
Other names: p.K1273R:AAG>AGG; p.Lys1273Arg; short protein forms K1273R.
Identifiers: ClinVar variation 199744 (VCV000199744.64), dbSNP rs144614075, ClinGen allele CA006720.